The following is an entry in ClinVar:

NM_020975.6(RET):c.1528G>A (p.Ala510Thr)

Gene: RET (ret proto-oncogene; plus strand). Cytogenetic location: 10q11.21.
Variant type: single nucleotide variant.
Coding change: c.1528G>A on transcript NM_020975.6 (MANE Select); coding-DNA position 1528, G replaced by A.
Protein change: p.Ala510Thr; replaces alanine 510 with threonine.
Molecular consequence: missense variant.
Genome position (GRCh38, 1-based): chr10:43,112,104, G>A. VCF-style: chr10-43112104-G-A. GRCh37 (hg19) VCF-style: chr10-43607552-G-A.
Other names: c.1528G>A, p.Ala510Thr (NM_000323.2, NM_001406743.1, NM_001406744.1 and 6 more transcripts); c.766G>A, p.Ala256Thr (NM_001355216.2); c.1399G>A, p.Ala467Thr (NM_001406761.1, NM_001406762.1, NM_001406764.1 and 1 more transcripts); c.1240G>A, p.Ala414Thr (NM_001406766.1, NM_001406767.1, NM_001406770.1); c.1132G>A, p.Ala378Thr (NM_001406769.1, NM_001406772.1); c.631G>A, p.Ala211Thr (NM_001406781.1, NM_001406782.1, NM_001406785.1 and 3 more transcripts); c.502G>A, p.Ala168Thr (NM_001406783.1, NM_001406786.1); c.538G>A, p.Ala180Thr (NM_001406784.1); and 5 more; short protein forms A510T, A256T, A168T, A335T, A364T, A378T, A414T, A180T.
Identifiers: ClinVar variation 1514936 (VCV001514936.12), dbSNP rs989627119, ClinGen allele CA206261734.

ClinVar aggregate classification (germline): Uncertain significance. Review status: criteria provided, multiple submitters, no conflicts (2 of 4 stars). 2 submissions from 2 submitters: Uncertain significance (2). Last evaluated 2025-01-31.

Conditions:
Hereditary cancer-predisposing syndrome. Also called: Tumor predisposition; Neoplastic Syndromes, Hereditary; Hereditary neoplastic syndrome; Hereditary Cancer Syndrome. Identifiers: Orphanet 140162, MedGen C0027672, MeSH D009386, MONDO:0015356.
Multiple endocrine neoplasia, type 2 (MEN2). Identifiers: Orphanet 653, MedGen C4048306, MONDO:0019003. Disease mechanism: gain of function.

Allele frequency attached by ClinVar (database versions not stated): gnomAD 0.00002; TOPMed 0.00002.
gnomAD v4.1: 4 of 1,601,068 alleles (0.00025%); highest among the groups gnomAD compares: African/African-American, 0.004%; no homozygotes.

Submissions (2):

Ambry Genetics
Classification: Uncertain significance for Hereditary cancer-predisposing syndrome. Last evaluated: 2025-01-31. Review status: criteria provided, single submitter. Criteria: Ambry Variant Classification Scheme 2023. Collection method: clinical testing. Allele origin: germline.
Comment: The p.A510T variant (also known as c.1528G>A), located in coding exon 8 of the RET gene, results from a G to A substitution at nucleotide position 1528. The alanine at codon 510 is replaced by threonine, an amino acid with similar properties. This amino acid position is not well conserved in available vertebrate species. In addition, this alteration is predicted to be tolerated by in silico analysis. Based on the available evidence, the clinical significance of this variant remains unclear.

Labcorp Genetics (formerly Invitae), Labcorp
Classification: Uncertain significance for Multiple endocrine neoplasia, type 2. Last evaluated: 2024-09-04. Review status: criteria provided, single submitter. Criteria: Invitae Variant Classification Sherloc (09022015). Collection method: clinical testing. Allele origin: germline.
Comment: This sequence change replaces alanine, which is neutral and non-polar, with threonine, which is neutral and polar, at codon 510 of the RET protein (p.Ala510Thr). This variant is present in population databases (no rsID available, gnomAD 0.01%). This variant has not been reported in the literature in individuals affected with RET-related conditions. ClinVar contains an entry for this variant (Variation ID: 1514936). An algorithm developed to predict the effect of missense changes on protein structure and function outputs the following: PolyPhen-2: "Benign". The threonine amino acid residue is found in multiple mammalian species, which suggests that this missense change does not adversely affect protein function. In summary, the available evidence is currently insufficient to determine the role of this variant in disease. Therefore, it has been classified as a Variant of Uncertain Significance.